The following is an entry in ClinVar:

NM_145059.3(FCSK):c.773G>A (p.Arg258Gln)

Gene: FCSK (fucose kinase; plus strand). Cytogenetic location: 16q22.1.
Variant type: single nucleotide variant.
Coding change: c.773G>A on transcript NM_145059.3 (MANE Select); coding-DNA position 773, G replaced by A.
Protein change: p.Arg258Gln; replaces arginine 258 with glutamine.
Molecular consequence: missense variant.
Genome position (GRCh38, 1-based): chr16:70,468,958, G>A. VCF-style: chr16-70468958-G-A. GRCh37 (hg19) VCF-style: chr16-70502861-G-A.
Other names: short protein forms R258Q.
Identifiers: ClinVar variation 3631622 (VCV003631622.2).

ClinVar aggregate classification (germline): Uncertain significance (1 of 4 stars; one submission).

Submission:

Labcorp Genetics (formerly Invitae), Labcorp
Classification: Uncertain significance. Last evaluated: 2025-12-31. Review status: criteria provided, single submitter. Criteria: Invitae Variant Classification Sherloc (09022015). Collection method: clinical testing. Allele origin: germline.
Comment: This sequence change replaces arginine, which is basic and polar, with glutamine, which is neutral and polar, at codon 258 of the FUK protein (p.Arg258Gln). This variant is present in population databases (rs377726598, gnomAD 0.2%), and has an allele count higher than expected for a pathogenic variant. This variant has not been reported in the literature in individuals affected with FUK-related conditions. ClinVar contains an entry for this variant (Variation ID: 3631622). An algorithm developed to predict the effect of missense changes on protein structure and function outputs the following: PolyPhen-2: "Benign". The glutamine amino acid residue is found in multiple mammalian species, which suggests that this missense change does not adversely affect protein function. In summary, the available evidence is currently insufficient to determine the role of this variant in disease. Therefore, it has been classified as a Variant of Uncertain Significance.